The following is an entry in ClinVar:

NM_139276.3(STAT3):c.956G>A (p.Ser319Asn)

Gene: STAT3 (signal transducer and activator of transcription 3; minus strand). Cytogenetic location: 17q21.2.
Variant type: single nucleotide variant.
Coding change: c.956G>A on transcript NM_139276.3 (MANE Select); coding-DNA position 956, G replaced by A.
Protein change: p.Ser319Asn; replaces serine 319 with asparagine.
Molecular consequence: missense variant.
Genome position (GRCh38, 1-based): chr17:42,333,891, C>T on the plus strand (G>A on the coding strand, the complement: STAT3 is on the minus strand). VCF-style: chr17-42333891-C-T. GRCh37 (hg19) VCF-style: chr17-40485909-C-T.
Other names: c.956G>A, p.Ser319Asn (NM_001384990.1, NM_001384991.1, NM_001384992.1 and 15 more transcripts); c.878G>A, p.Ser293Asn (NM_001384985.1); c.860G>A, p.Ser287Asn (NM_001384989.1); short protein forms S293N, S319N, S287N.
Identifiers: ClinVar variation 4787140 (VCV004787140.1).

ClinVar aggregate classification (germline): Uncertain significance (1 of 4 stars; one submission).

Conditions:
STAT3 gain of function. Identifiers: MedGen C4288261.
Hyper-IgE recurrent infection syndrome 1, autosomal dominant. Also called: JOB SYNDROME; Job's Syndrome; STAT3 Hyper IgE Syndrome; Hyper-IgE recurrent infection syndrome 1; HYPER-IgE SYNDROME 1, AUTOSOMAL DOMINANT, WITH RECURRENT INFECTIONS. Identifiers: Orphanet 2314, MedGen C2936739, MONDO:0007818, OMIM 147060.

Submission:

Labcorp Genetics (formerly Invitae), Labcorp
Classification: Uncertain significance for STAT3 gain of function; Hyper-IgE recurrent infection syndrome 1, autosomal dominant. Last evaluated: 2025-12-26. Review status: criteria provided, single submitter. Criteria: Invitae Variant Classification Sherloc (09022015). Collection method: clinical testing. Allele origin: germline.
Comment: This sequence change replaces serine, which is neutral and polar, with asparagine, which is neutral and polar, at codon 319 of the STAT3 protein (p.Ser319Asn). This variant also falls at the last nucleotide of exon 9, which is part of the consensus splice site for this exon. This variant is not present in population databases (gnomAD no frequency). This variant has not been reported in the literature in individuals affected with STAT3-related conditions. An algorithm developed to predict the effect of missense changes on protein structure and function (PolyPhen-2) suggests that this variant is likely to be tolerated. Variants that disrupt the consensus splice site are a relatively common cause of aberrant splicing (PMID: 17576681, 9536098). Algorithms developed to predict the effect of sequence changes on RNA splicing suggest that this variant may disrupt the consensus splice site. In summary, the available evidence is currently insufficient to determine the role of this variant in disease. Therefore, it has been classified as a Variant of Uncertain Significance.

Literature cited by the submitters: PubMed 17576681; PubMed 9536098.